The following is an entry in ClinVar:

NM_019066.5(MAGEL2):c.267A>T (p.Ile89=)

Gene: MAGEL2 (MAGE family member L2; minus strand). Cytogenetic location: 15q11.2.
Variant type: single nucleotide variant.
Coding change: c.267A>T on transcript NM_019066.5 (MANE Select); coding-DNA position 267, A replaced by T.
Protein change: p.Ile89=; no amino-acid change (isoleucine 89 retained).
Molecular consequence: synonymous variant.
Genome position (GRCh38, 1-based): chr15:23,647,476, T>A on the plus strand (A>T on the coding strand, the complement: MAGEL2 is on the minus strand). VCF-style: chr15-23647476-T-A. GRCh37 (hg19) VCF-style: chr15-23892623-T-A.
Identifiers: ClinVar variation 4723489 (VCV004723489.1).

ClinVar aggregate classification (germline): Uncertain significance (1 of 4 stars; one submission).

Submission:

Labcorp Genetics (formerly Invitae), Labcorp
Classification: Uncertain significance. Last evaluated: 2025-07-20. Review status: criteria provided, single submitter. Criteria: Invitae Variant Classification Sherloc (09022015). Collection method: clinical testing. Allele origin: germline.
Comment: This sequence change affects codon 89 of the MAGEL2 mRNA. It is a 'silent' change, meaning that it does not change the encoded amino acid sequence of the MAGEL2 protein. This variant is not present in population databases (gnomAD no frequency). This variant has not been reported in the literature in individuals affected with MAGEL2-related conditions. In summary, the available evidence is currently insufficient to determine the role of this variant in disease. Therefore, it has been classified as a Variant of Uncertain Significance.